The following is an entry in ClinVar:

ClinVar aggregate classification (germline): Uncertain significance. Review status: criteria provided, multiple submitters, no conflicts (2 of 4 stars). 2 submissions from 2 submitters: Uncertain significance (2). Last evaluated 2024-10-30.

Conditions:
Familial focal epilepsy with variable foci (FPEVF). Identifiers: Orphanet 98820, MedGen C1858477, MONDO:0020310.
Inborn genetic diseases. Identifiers: MedGen C0950123, MeSH D030342.

Allele frequency attached by ClinVar (database versions not stated): gnomAD exomes below 0.00001; ExAC 0.00001.

Submissions (2):

Labcorp Genetics (formerly Invitae), Labcorp
Classification: Uncertain significance for Familial focal epilepsy with variable foci. Last evaluated: 2024-10-30. Review status: criteria provided, single submitter. Criteria: Invitae Variant Classification Sherloc (09022015). Collection method: clinical testing. Allele origin: germline.
Comment: This sequence change replaces proline, which is neutral and non-polar, with alanine, which is neutral and non-polar, at codon 1418 of the DEPDC5 protein (p.Pro1418Ala). This variant is present in population databases (rs778525025, gnomAD 0.0009%). This variant has not been reported in the literature in individuals affected with DEPDC5-related conditions. ClinVar contains an entry for this variant (Variation ID: 2705473). Experimental studies and prediction algorithms are not available or were not evaluated, and the functional significance of this variant is currently unknown. In summary, the available evidence is currently insufficient to determine the role of this variant in disease. Therefore, it has been classified as a Variant of Uncertain Significance.

Ambry Genetics
Classification: Uncertain significance for Inborn genetic diseases. Last evaluated: 2024-06-19. Review status: criteria provided, single submitter. Criteria: Ambry Variant Classification Scheme 2023. Collection method: clinical testing. Allele origin: germline.

NM_001242896.3(DEPDC5):c.4252C>G (p.Pro1418Ala)

Gene: DEPDC5 (DEP domain containing 5, GATOR1 subcomplex subunit; plus strand). Cytogenetic location: 22q12.3.
Variant type: single nucleotide variant.
Coding change: c.4252C>G on transcript NM_001242896.3 (MANE Select); coding-DNA position 4252, C replaced by G.
Protein change: p.Pro1418Ala; replaces proline 1418 with alanine.
Molecular consequence: missense variant. On other transcripts: non-coding transcript variant (5).
Genome position (GRCh38, 1-based): chr22:31,897,530, C>G. VCF-style: chr22-31897530-C-G. GRCh37 (hg19) VCF-style: chr22-32293516-C-G.
Other names: c.4252C>G (NM_001242896.1); c.4225C>G, p.Pro1409Ala (NM_001136029.4); c.3952C>G, p.Pro1318Ala (NM_001242897.2); c.4186C>G, p.Pro1396Ala (NM_001363852.2, NM_001364320.2); c.4018C>G, p.Pro1340Ala (NM_001363854.2, NM_001364319.2); c.4252C>G, p.Pro1418Ala (NM_001364318.2); c.4168C>G, p.Pro1390Ala (NM_001369901.1, NM_001369902.1); c.4159C>G, p.Pro1387Ala (NM_001369903.1, NM_014662.6); short protein forms P1340A, P1390A, P1409A, P1318A, P1396A, P1387A, P1418A.
Identifiers: ClinVar variation 2705473 (VCV002705473.4), dbSNP rs778525025, ClinGen allele CA10197205.